The following is an entry in ClinVar:

NM_000091.5(COL4A3):c.4785dup (p.Gln1596fs)

Genes: COL4A3 (collagen type IV alpha 3 chain; plus strand), MFF-DT (MFF divergent transcript; minus strand). Cytogenetic location: 2q36.3.
Variant type: Duplication.
Coding change: c.4785dup on transcript NM_000091.5 (MANE Select); coding-DNA position 4785, one base duplicated (G; older notation c.4785dupG).
Protein change: p.Gln1596fs; shifts the reading frame from glutamine 1596.
Molecular consequence: frameshift variant.
Genome position (GRCh38, 1-based): chr2:227,310,805, G duplicated; the last of 3 consecutive G bases (chr2:227,310,803-227,310,805); duplicating any one gives the same sequence. VCF-style (leftmost placement, unchanged base first): chr2-227310802-C-CG. GRCh37 (hg19) VCF-style: chr2-228175518-C-CG.
Other names: short protein forms Q1596fs.
Identifiers: ClinVar variation 4850896 (VCV004850896.1).
Genomic context (GRCh38, chr2:227,310,802, plus strand): 5'-AGAGTGTTTATTCAGATTTTTAAAATTGTGGTAGTTCACAAGTGCAGGTTCTGAGGGCAC[C>CG]GGGCAAGCACTGGCCTCCCCTGGCTCCTGCCTGGAAGAATTCCGAGCCAGCCCATTTCTA-3'

ClinVar aggregate classification (germline): Likely pathogenic (1 of 4 stars; one submission).

Conditions:
Alport syndrome 3b, autosomal recessive. Identifiers: MedGen C5882699, MONDO:0957811, OMIM 620536.

Submission:

Genetics laboratory, Institute of Kidney Diseases & Research Centre Dr. H.L. Trivedi Institute Of Transplantation Sciences
Classification: Likely pathogenic for Alport syndrome 3b, autosomal recessive. Last evaluated: 2025-07-03. Review status: criteria provided, single submitter. Criteria: ACMG Guidelines, 2015. Collection method: clinical testing. Allele origin: germline. Inheritance: Autosomal dominant inheritance. Affected: yes. Observed: 1 variant allele, 1 heterozygote.
Comment: The COL4A3 variant c.4785dup (p.Gln1596Alafs*101) is classified as Likely Pathogenic based on ACMG criteria (PVS1, PM2). The variant causes a frameshift with premature termination and is predicted to result in loss of function, which is a known disease mechanism in COL4A3-related disorders.